The following is an entry in ClinVar:

NM_001378609.3(OTOGL):c.6019+5G>A

Gene: OTOGL (otogelin like; plus strand). Cytogenetic location: 12q21.31.
Variant type: single nucleotide variant.
Coding change: c.6019+5G>A on transcript NM_001378609.3 (MANE Select); 5 bases into the intron after coding-DNA position 6019, G replaced by A.
Molecular consequence: intron variant.
Genome position (GRCh38, 1-based): chr12:80,356,919, G>A. VCF-style: chr12-80356919-G-A. GRCh37 (hg19) VCF-style: chr12-80750699-G-A.
Other names: c.5884+5G>A (NM_001368062.3); c.6019+5G>A (NM_001378610.3, NM_173591.7); c.5992+5G>A (NM_173591.3).
Identifiers: ClinVar variation 499791 (VCV000499791.29), dbSNP rs368712763, ClinGen allele CA6701881.
Genomic context (GRCh38, chr12:80,356,919, plus strand): 5'-TCAATTCATGATTCAAGTTCGACAGGAAGAACCTTGTTGTTTTTCCCCTTTTTGTGGTGA[G>A]TATTGTAGAGATAATTTCTTGGAAGAAGAGAAAGGATCTAGGAAAAAAATCTCTTATTTG-3'

ClinVar aggregate classification (germline): Conflicting classifications of pathogenicity. Review status: criteria provided, conflicting classifications (1 of 4 stars). 8 submissions from 8 submitters: Pathogenic (3); Likely pathogenic (4); Uncertain significance (1). Last evaluated 2026-06-03.

Conditions:
OTOGL-related disorder. Also called: OTOGL-related condition.
Autosomal recessive nonsyndromic hearing loss 84B. Also called: Deafness, autosomal recessive 84b. Identifiers: Orphanet 90636, MedGen C3554159, MONDO:0013984, OMIM 614944.

Allele frequency attached by ClinVar (database versions not stated): gnomAD exomes 0.00017; ExAC 0.00018; 1000 Genomes Project 0.00040; gnomAD 0.00044 and 0.00046; 1000 Genomes Project 30x 0.00047; TOPMed 0.00063; ESP Exome Variant Server 0.00092.
gnomAD v4.1: 134 of 1,514,416 alleles (0.0088%); highest among the groups gnomAD compares: African/African-American, 0.16%; no homozygotes.

Submissions (9):

PreventionGenetics, part of Exact Sciences
Classification: Likely pathogenic for OTOGL-related condition. Last evaluated: 2026-06-03. Review status: criteria provided, single submitter. Criteria: ACMG Guidelines, 2015. Collection method: clinical testing. Allele origin: germline.
Comment: The OTOGL c.5992+5G>A variant is predicted to interfere with splicing. This variant has been reported in the heterozygous state along with an OTOGL truncating variant in three individuals with hearing loss, although phase was not clearly stated (Table S3, Sloan-Heggen et al 2016. PubMed ID: 26969326; Peart et al. 2023. PubMed ID: 37996878; referred to as c.6019+5G>A in eTable 7, Carlson et al. 2023. PubMed ID: 36633841). At PreventionGenetics, this variant has also been observed in the homozygous state or with a second truncating variant in three unrelated individuals undergoing testing for hearing loss (Internal Data). In ClinVar this variant is reported as pathogenic or likely pathogenic by the majority of labs, two of which state the variant was determined to be in trans to a second pathogenic variant in an individual with hearing loss (Variation ID: 499791). This variant is reported in 0.21% of alleles in individuals of African descent in gnomAD, which is higher than expected for a pathogenic variant in this gene. This variant is interpreted as likely pathogenic.

Laboratory of Molecular, Cellular and Translation Genetics in Otolaryngology/ Lim32-hcfmusp, University of Sao Paulo School of Medicine Clinics Hospital
Classification: Likely pathogenic for Autosomal recessive nonsyndromic hearing loss 84B. Last evaluated: 2026-04-30. Review status: criteria provided, single submitter. Criteria: ACMG Guidelines, 2015. Collection method: research. Allele origin: germline. Affected: yes.
Comment: NM_001378609.3:c.6019+5G>A. This variant has been classified as likely pathogenic. It is rare in population databases (PM2_supporting), and in silico prediction tools support a deleterious effect on splicing (PP3). It has been repeatedly reported in trans with other pathogenic OTOGL variants (PM3_strong).

GeneDx
Classification: Pathogenic. Last evaluated: 2026-04-02. Review status: criteria provided, single submitter. Criteria: GeneDx Variant Classification Process June 2021. Collection method: clinical testing. Allele origin: germline. Affected: yes.
Comment: In silico analysis supports a deleterious effect on splicing; This variant is associated with the following publications: (PMID: 23122586, 36633841, 26969326, 37996878)

Dasa
Classification: Pathogenic. Last evaluated: 2026-02-06. Review status: criteria provided, single submitter. Criteria: DASA Assertion Criteria. Collection method: clinical testing. Allele origin: germline.
Comment: NM_001378609.3(OTOGL):c.6019+5G>A is a splice-region variant predicted to affect normal RNA splicing. This variant has been recurrently observed in individuals with OTOGL-related disorders (PMID: 26969326; PMID: 36633841). Also, this variant is rare in population databases. Computational evidence supports a deleterious effect. Based on the currently available evidence, this variant is classified as pathogenic.

Labcorp Genetics (formerly Invitae), Labcorp
Classification: Pathogenic. Last evaluated: 2025-08-10. Review status: criteria provided, single submitter. Criteria: Invitae Variant Classification Sherloc (09022015). Collection method: clinical testing. Allele origin: germline.
Comment: This sequence change falls in intron 48 of the OTOGL gene. It does not directly change the encoded amino acid sequence of the OTOGL protein. It affects a nucleotide within the consensus splice site. This variant is present in population databases (rs368712763, gnomAD 0.2%). This variant has been observed in individual(s) with congenital deafness (PMID: 26969326, 36633841; internal data). In at least one individual the data is consistent with being in trans (on the opposite chromosome) from a pathogenic variant. This variant is also known as c.6019+5G>A. ClinVar contains an entry for this variant (Variation ID: 499791). Variants that disrupt the consensus splice site are a relatively common cause of aberrant splicing (PMID: 17576681, 9536098). Algorithms developed to predict the effect of sequence changes on RNA splicing suggest that this variant may disrupt the consensus splice site. For these reasons, this variant has been classified as Pathogenic.

Johns Hopkins Genomics, Johns Hopkins University
Classification: Likely pathogenic for Autosomal recessive nonsyndromic hearing loss 84B. Last evaluated: 2023-04-21. Review status: criteria provided, single submitter. Criteria: ACMG Guidelines, 2015. Collection method: clinical testing. Allele origin: germline.
Comment: This OTOGL variant (rs368712763) is rare (<0.1%) in a large population dataset (gnomAD: 47/222700 total alleles; 0.02%; no homozygotes) and has been reported in ClinVar. This variant has been detected in a compound heterozygous state with another pathogenic OTOGL variant in unrelated individuals with bilateral sensorineural hearing loss. Three bioinformatic tools queried predict that this variant would disrupt the splice donor site of exon 49 of the OTOGL transcript, although this has not been confirmed experimentally to our knowledge. We consider c.6019+5G>A to be likely pathogenic.

King Laboratory, University of Washington
Classification: Likely pathogenic for Autosomal recessive nonsyndromic hearing loss 84B. Last evaluated: 2023-02-28. Review status: criteria provided, single submitter. Criteria: Li et al. (Genet Med. 2022). Collection method: research. Allele origin: unknown. Affected: yes.
Comment: This variant is a single base pair substitution that is predicted to alter splicing. At the donor splice of OTOGL exon 49, the sequence change is GTG|gtgagt > GTG|gtgaat, NNSPLICE is 0.99 and 0.19 and MaxEnt is 8.95 and 1.79 for reference and mutant sequences, respectively. Consequences of altered splicing are skipping of exon 49 resulting in a 108bp message deletion and an in-frame deletion of 36 amino acids. As of January 2023, this variant has been reported to ClinVar as a variant of unknown significance and is found in 47 heterozygotes on gnomAD. Based on compound heterozygosity with a loss-of-function variant and goodness of fit of genotype to phenotype, we conclude that this variant is likely pathogenic.

Eurofins Ntd Llc (ga)
Classification: Uncertain significance. Last evaluated: 2017-03-01. Review status: criteria provided, single submitter. Criteria: EGL Classification Definitions 2015. Collection method: clinical testing. Allele origin: germline. Observed: 2 variant alleles, 2 heterozygotes.

Dr. Peter K. Rogan Lab, Western University
No classification provided (evidence only). Condition: Cervical cancer. Review status: no classification provided. Collection method: in vitro. Allele origin: not applicable. Functional consequence: retained intron. Not counted in ClinVar's aggregate classification.

Literature cited by the submitters: PubMed 23122586 (cited by Laboratory of Molecular, Cellular and Translation Genetics in Otolaryngology/ Lim32-hcfmusp, University of Sao Paulo School of Medicine Clinics Hospital and Johns Hopkins Genomics, Johns Hopkins University); PubMed 36633841 (cited by 5 submitters); PubMed 26969326 (cited by 4 submitters); PubMed 42233699 (cited by Laboratory of Molecular, Cellular and Translation Genetics in Otolaryngology/ Lim32-hcfmusp, University of Sao Paulo School of Medicine Clinics Hospital); PubMed 17576681 (cited by Labcorp Genetics (formerly Invitae), Labcorp); PubMed 9536098 (cited by Labcorp Genetics (formerly Invitae), Labcorp).